The following is an entry in ClinVar:

ClinVar aggregate classification (germline): Uncertain significance (1 of 4 stars; one submission).

gnomAD v4.1: 2 of 1,614,098 alleles (0.00012%); highest among the groups gnomAD compares: Admixed American, 0.0017%; no homozygotes.

Submission:

GeneDx
Classification: Uncertain significance. Last evaluated: 2026-09-25. Review status: criteria provided, single submitter. Criteria: GeneDx Variant Classification Process June 2021. Collection method: clinical testing. Allele origin: germline.
Comment: Not observed at significant frequency in large population cohorts (gnomAD); In silico analysis supports that this missense variant has a deleterious effect on protein structure/function; Has not been previously published as pathogenic or benign to our knowledge

NM_002971.6(SATB1):c.86A>G (p.Lys29Arg)

Gene: SATB1 (SATB homeobox 1; minus strand). Cytogenetic location: 3p24.3.
Variant type: single nucleotide variant.
Coding change: c.86A>G on transcript NM_002971.6 (MANE Select); coding-DNA position 86, A replaced by G.
Protein change: p.Lys29Arg; replaces lysine 29 with arginine.
Molecular consequence: missense variant. On other transcripts: intron variant (1).
Genome position (GRCh38, 1-based): chr3:18,420,882, T>C on the plus strand (A>G on the coding strand, the complement: SATB1 is on the minus strand). VCF-style: chr3-18420882-T-C. GRCh37 (hg19) VCF-style: chr3-18462374-T-C.
Other names: c.86A>G, p.Lys29Arg (NM_001322875.2, NM_001131010.4, NM_001195470.3 and 4 more transcripts); c.-5-3804A>G (NM_001322876.2); short protein forms K29R.
Identifiers: ClinVar variation 3781285 (VCV003781285.2).
Genomic context (GRCh38, chr3:18,420,882, plus strand): 5'-CCTGTACTCCCAAGCCTTCCTCTTCCTAGCGGGCTCCCGTTCTGCTCCAGGCGGGCAATC[T>C]TGGCTGGTGGACCCTTCGGATCACTCACATTGTTAGACATTTCTGAATGTTCTTTCCCCT-3'
Protein context (NP_002962.1, residues 19-39): NVSDPKGPPA[Lys29Arg]IARLEQNGSP